The following is an entry in ClinVar:

NM_002471.4(MYH6):c.5539C>G (p.Arg1847Gly)

Gene: MYH6 (myosin heavy chain 6; minus strand). Cytogenetic location: 14q11.2.
Variant type: single nucleotide variant.
Coding change: c.5539C>G on transcript NM_002471.4 (MANE Select); coding-DNA position 5539, C replaced by G.
Protein change: p.Arg1847Gly; replaces arginine 1847 with glycine.
Molecular consequence: missense variant.
Genome position (GRCh38, 1-based): chr14:23,384,468, G>C on the plus strand (C>G on the coding strand, the complement: MYH6 is on the minus strand). VCF-style: chr14-23384468-G-C. GRCh37 (hg19) VCF-style: chr14-23853677-G-C.
Other names: short protein forms R1847G.
Identifiers: ClinVar variation 660316 (VCV000660316.10), dbSNP rs752718246, ClinGen allele CA388983906.

ClinVar aggregate classification (germline): Uncertain significance (1 of 4 stars; one submission).

Conditions:
Hypertrophic cardiomyopathy 14. Identifiers: MedGen C2750467, MONDO:0013197, OMIM 613251.

Submission:

Labcorp Genetics (formerly Invitae), Labcorp
Classification: Uncertain significance for Hypertrophic cardiomyopathy 14. Last evaluated: 2023-05-22. Review status: criteria provided, single submitter. Criteria: Invitae Variant Classification Sherloc (09022015). Collection method: clinical testing. Allele origin: germline.
Comment: This variant is not present in population databases (gnomAD no frequency). In summary, the available evidence is currently insufficient to determine the role of this variant in disease. Therefore, it has been classified as a Variant of Uncertain Significance. Advanced modeling of protein sequence and biophysical properties (such as structural, functional, and spatial information, amino acid conservation, physicochemical variation, residue mobility, and thermodynamic stability) performed at Invitae indicates that this missense variant is expected to disrupt MYH6 protein function. ClinVar contains an entry for this variant (Variation ID: 660316). This variant has not been reported in the literature in individuals affected with MYH6-related conditions. This sequence change replaces arginine, which is basic and polar, with glycine, which is neutral and non-polar, at codon 1847 of the MYH6 protein (p.Arg1847Gly).